The following is an entry in ClinVar:

ClinVar aggregate classification (germline): Uncertain significance (1 of 4 stars; one submission).

Submission:

Labcorp Genetics (formerly Invitae), Labcorp
Classification: Uncertain significance. Last evaluated: 2023-08-17. Review status: criteria provided, single submitter. Criteria: Invitae Variant Classification Sherloc (09022015). Collection method: clinical testing. Allele origin: germline.
Comment: In summary, the available evidence is currently insufficient to determine the role of this variant in disease. Therefore, it has been classified as a Variant of Uncertain Significance. Experimental studies and prediction algorithms are not available or were not evaluated, and the functional significance of this variant is currently unknown. This variant has not been reported in the literature in individuals affected with PACS2-related conditions. This variant results in a copy number gain of the genomic region encompassing exon(s) 1-4 of the PACS2 gene. This region includes the initiator codon of the gene. This copy number gain extends beyond the assayed region for this gene and therefore may encompass additional genes. As the precise location of this event is unknown, it may be in tandem or it may be located elsewhere in the genome.

NC_000014.8:g.(?_105781256)_(105821534_?)dup

Genes: BRF1 (BRF1 RNA polymerase III transcription initiation factor subunit; minus strand), PACS2 (phosphofurin acidic cluster sorting protein 2; plus strand). Cytogenetic location: 14q32.33.
Variant type: Duplication.
Identifiers: ClinVar variation 1525367 (VCV001525367.5).